The following is an entry in ClinVar:

NM_002439.5(MSH3):c.512A>G (p.Asp171Gly)

Gene: MSH3 (mutS homolog 3; plus strand). Cytogenetic location: 5q14.1.
Variant type: single nucleotide variant.
Coding change: c.512A>G on transcript NM_002439.5 (MANE Select); coding-DNA position 512, A replaced by G.
Protein change: p.Asp171Gly; replaces aspartic acid 171 with glycine.
Molecular consequence: missense variant.
Genome position (GRCh38, 1-based): chr5:80,665,296, A>G. VCF-style: chr5-80665296-A-G. GRCh37 (hg19) VCF-style: chr5-79961115-A-G.
Other names: short protein forms D171G.
Identifiers: ClinVar variation 861404 (VCV000861404.15), dbSNP rs767478058, ClinGen allele CA3327614.

ClinVar aggregate classification (germline): Uncertain significance. Review status: criteria provided, multiple submitters, no conflicts (2 of 4 stars). 4 submissions from 4 submitters: Uncertain significance (4). Last evaluated 2025-09-02.

Conditions:
Endometrial carcinoma. Also called: Endometrial carcinoma, somatic. Identifiers: MedGen C0476089, MONDO:0002447, OMIM 608089, HP:0012114.
Hereditary cancer-predisposing syndrome. Also called: Tumor predisposition; Hereditary neoplastic syndrome; Neoplastic Syndromes, Hereditary; Hereditary Cancer Syndrome. Identifiers: Orphanet 140162, MedGen C0027672, MeSH D009386, MONDO:0015356.

Allele frequency attached by ClinVar (database versions not stated): gnomAD exomes below 0.00001 and 0.00001; ExAC 0.00002; gnomAD 0.00002; TOPMed 0.00003.
gnomAD v4.1: 8 of 1,613,784 alleles (0.0005%); highest among the groups gnomAD compares: African/African-American, 0.0067%; no homozygotes.

Submissions (4):

Labcorp Genetics (formerly Invitae), Labcorp
Classification: Uncertain significance. Last evaluated: 2025-09-02. Review status: criteria provided, single submitter. Criteria: Invitae Variant Classification Sherloc (09022015). Collection method: clinical testing. Allele origin: germline.
Comment: This sequence change replaces aspartic acid, which is acidic and polar, with glycine, which is neutral and non-polar, at codon 171 of the MSH3 protein (p.Asp171Gly). This variant is present in population databases (rs767478058, gnomAD 0.02%). This variant has not been reported in the literature in individuals affected with MSH3-related conditions. ClinVar contains an entry for this variant (Variation ID: 861404). An algorithm developed to predict the effect of missense changes on protein structure and function (PolyPhen-2) suggests that this variant is likely to be tolerated. In summary, the available evidence is currently insufficient to determine the role of this variant in disease. Therefore, it has been classified as a Variant of Uncertain Significance.

Ambry Genetics
Classification: Uncertain significance for Hereditary cancer-predisposing syndrome. Last evaluated: 2025-07-29. Review status: criteria provided, single submitter. Criteria: Ambry Variant Classification Scheme 2023. Collection method: clinical testing. Allele origin: germline.
Comment: The p.D171G variant (also known as c.512A>G), located in coding exon 3 of the MSH3 gene, results from an A to G substitution at nucleotide position 512. The aspartic acid at codon 171 is replaced by glycine, an amino acid with similar properties. This amino acid position is highly conserved in available vertebrate species. In addition, the in silico prediction for this alteration is inconclusive. Since supporting evidence is limited at this time, the clinical significance of this alteration remains unclear.

Baylor Genetics
Classification: Uncertain significance for Endometrial carcinoma. Last evaluated: 2024-02-27. Review status: criteria provided, single submitter. Criteria: ACMG Guidelines, 2015. Collection method: clinical testing. Allele origin: unknown.

Quest Diagnostics Nichols Institute San Juan Capistrano
Classification: Uncertain significance. Last evaluated: 2023-03-22. Review status: criteria provided, single submitter. Criteria: Quest Diagnostics criteria. Collection method: clinical testing. Allele origin: unknown.
Comment: The variant has not been reported in the published literature. The frequency of this variant in the general population, 0.00018 (3/16252 chromosomes), is uninformative in assessment of its pathogenicity. Analysis of this variant using bioinformatics tools for the prediction of the effect of amino acid changes on protein structure and function yielded predictions that this variant is benign. Based on the available information, we are unable to determine the clinical significance of this variant.